The following is an entry in ClinVar:

ClinVar aggregate classification (germline): Benign (0 of 4 stars; one submission).

Conditions:
AIM2-related disorder. Also called: AIM2-related condition.

Submission:

PreventionGenetics, part of Exact Sciences
Classification: Benign for AIM2-related condition. Last evaluated: 2021-02-12. Review status: no assertion criteria provided. Collection method: clinical testing. Allele origin: germline.
Comment: This variant is classified as benign based on ACMG/AMP sequence variant interpretation guidelines (Richards et al. 2015 PMID: 25741868, with internal and published modifications).

NM_004833.3(AIM2):c.1027del (p.Thr343fs)

Gene: AIM2 (absent in melanoma 2; minus strand). Cytogenetic location: 1q23.1.
Variant type: Deletion.
Coding change: c.1027del on transcript NM_004833.3 (MANE Select); coding-DNA position 1027, one base deleted (A; older notation c.1027delA).
Protein change: p.Thr343fs; shifts the reading frame from threonine 343.
Molecular consequence: frameshift variant.
Genome position (GRCh38, 1-based): chr1:159,062,697, T deleted on the plus strand (A on the coding strand, the reverse complement: AIM2 is on the minus strand); the first of 10 consecutive T bases (chr1:159,062,697-159,062,706); deleting any one gives the same sequence. VCF-style (leftmost placement, unchanged base first): chr1-159062696-GT-G. GRCh37 (hg19) VCF-style: chr1-159032486-GT-G.
Other names: c.712del, p.Thr238fs (NM_001348247.2); short protein forms T238fs, T343fs.
Identifiers: ClinVar variation 3041346 (VCV003041346.2), dbSNP rs531843702, ClinGen allele CA1186904.